The following is an entry in ClinVar:

ClinVar aggregate classification (germline): Benign (1 of 4 stars; one submission).

Allele frequency attached by ClinVar (database versions not stated): gnomAD 0.67847; TOPMed 0.69000; 1000 Genomes Project 30x 0.70269; gnomAD exomes 0.70475; 1000 Genomes Project 0.70567.
gnomAD v4.1: 993,707 of 1,414,008 alleles (70%); highest among the groups gnomAD compares: East Asian, 81%; 350,624 homozygotes.

Submission:

GeneDx
Classification: Benign. Last evaluated: 2018-06-15. Review status: criteria provided, single submitter. Criteria: GeneDx Variant Classification (06012015). Collection method: clinical testing. Allele origin: germline. Affected: yes.
Comment: This variant is considered likely benign or benign based on one or more of the following criteria: it is a conservative change, it occurs at a poorly conserved position in the protein, it is predicted to be benign by multiple in silico algorithms, and/or has population frequency not consistent with disease.

NM_004415.4(DSP):c.3085-114A>G

Gene: DSP (desmoplakin; plus strand). Cytogenetic location: 6p24.3.
Variant type: single nucleotide variant.
Coding change: c.3085-114A>G on transcript NM_004415.4 (MANE Select); 114 bases into the intron before coding-DNA position 3085, A replaced by G.
Molecular consequence: intron variant.
Genome position (GRCh38, 1-based): chr6:7,579,161, A>G. VCF-style: chr6-7579161-A-G. GRCh37 (hg19) VCF-style: chr6-7579394-A-G.
Other names: c.3085-114A>G (NM_001319034.2, NM_001008844.3).
Identifiers: ClinVar variation 672151 (VCV000672151.1), dbSNP rs2806226, ClinGen allele CA15454032.